The following is an entry in ClinVar:

ClinVar aggregate classification (germline): Uncertain significance (1 of 4 stars; one submission).

Conditions:
Autosomal recessive limb-girdle muscular dystrophy type 2A (LGMDR1). Also called: LEYDEN-MOEBIUS MUSCULAR DYSTROPHY; MUSCULAR DYSTROPHY, PELVOFEMORAL; Limb-girdle muscular dystrophy, type 2A; Calpainopathy; Muscular dystrophy, limb-girdle, type 2A, Amish. Identifiers: Orphanet 267, MedGen C1869123, MONDO:0009675, OMIM 253600. Disease mechanism: loss of function.

Allele frequency attached by ClinVar (database versions not stated): gnomAD exomes below 0.00001.
gnomAD v4.1: 1 of 1,613,990 alleles (0.000062%); highest among the groups gnomAD compares: East Asian, 0.0022%; no homozygotes.

Submission:

Labcorp Genetics (formerly Invitae), Labcorp
Classification: Uncertain significance for Autosomal recessive limb-girdle muscular dystrophy type 2A. Last evaluated: 2019-11-19. Review status: criteria provided, single submitter. Criteria: Invitae Variant Classification Sherloc (09022015). Collection method: clinical testing. Allele origin: germline.
Comment: This sequence change replaces threonine with alanine at codon 119 of the CAPN3 protein (p.Thr119Ala). The threonine residue is highly conserved and there is a small physicochemical difference between threonine and alanine. This variant is not present in population databases (ExAC no frequency). This variant has not been reported in the literature in individuals with CAPN3-related conditions. Algorithms developed to predict the effect of missense changes on protein structure and function are either unavailable or do not agree on the potential impact of this missense change (SIFT: "Tolerated"; PolyPhen-2: "Probably Damaging"; Align-GVGD: "Class C0"). In summary, the available evidence is currently insufficient to determine the role of this variant in disease. Therefore, it has been classified as a Variant of Uncertain Significance.

NM_000070.3(CAPN3):c.355A>G (p.Thr119Ala)

Gene: CAPN3 (calpain 3; plus strand). Cytogenetic location: 15q15.1.
Variant type: single nucleotide variant.
Coding change: c.355A>G on transcript NM_000070.3 (MANE Select); coding-DNA position 355, A replaced by G.
Protein change: p.Thr119Ala; replaces threonine 119 with alanine.
Molecular consequence: missense variant.
Genome position (GRCh38, 1-based): chr15:42,384,528, A>G. VCF-style: chr15-42384528-A-G. GRCh37 (hg19) VCF-style: chr15-42676726-A-G.
Other names: c.355A>G, p.Thr119Ala (NM_024344.2, NM_173087.2); short protein forms T119A.
Identifiers: ClinVar variation 838939 (VCV000838939.10), dbSNP rs1218735599, ClinGen allele CA391997399.